The following is an entry in ClinVar:

NM_002474.3(MYH11):c.1130-8C>T

Gene: MYH11 (myosin heavy chain 11; minus strand). Cytogenetic location: 16p13.11.
Variant type: single nucleotide variant.
Coding change: c.1130-8C>T on transcript NM_002474.3 (MANE Select); 8 bases into the intron before coding-DNA position 1130, C replaced by T.
Molecular consequence: intron variant.
Genome position (GRCh38, 1-based): chr16:15,760,666, G>A on the plus strand (C>T on the coding strand, the complement: MYH11 is on the minus strand). VCF-style: chr16-15760666-G-A. GRCh37 (hg19) VCF-style: chr16-15854523-G-A.
Other names: c.1130-8C>T (NM_022844.3); c.1151-8C>T (NM_001040114.2, NM_001040113.2).
Identifiers: ClinVar variation 3387246 (VCV003387246.1).

ClinVar aggregate classification (germline): Likely benign (1 of 4 stars; one submission).

Conditions:
Familial thoracic aortic aneurysm and aortic dissection (TAAD). Also called: Thoracic aortic aneurysms and dissections. Identifiers: Orphanet 91387, MedGen C4707243, MONDO:0019625.

gnomAD v4.1: 4 of 1,568,606 alleles (0.00026%); highest among the groups gnomAD compares: Admixed American, 0.0067%; no homozygotes.

Submission:

All of Us Research Program, National Institutes of Health
Classification: Likely benign for Familial thoracic aortic aneurysm and aortic dissection. Last evaluated: 2024-07-10. Review status: criteria provided, single submitter. Criteria: ACMG Guidelines, 2015. Collection method: clinical testing. Allele origin: germline. Inheritance: Autosomal dominant inheritance. Observed: 1 variant allele, 1 heterozygote.
Comment: This study involves interpretation of variants in research participants for the purpose of population health screening. Participant phenotype was not available at the time of variant classification. Additional details can be found in publication PMID: 35346344, PMCID: PMC8962531